The following is an entry in ClinVar:

ClinVar aggregate classification (germline): Uncertain significance. Review status: criteria provided, multiple submitters, no conflicts (2 of 4 stars). 3 submissions from 3 submitters: Uncertain significance (3). Last evaluated 2025-08-01.

Conditions:
Inborn genetic diseases. Identifiers: MedGen C0950123, MeSH D030342.

Allele frequency attached by ClinVar (database versions not stated): gnomAD exomes 0.00001 and 0.00006; gnomAD 0.00003; TOPMed 0.00004.
gnomAD v4.1: 96 of 1,613,698 alleles (0.0059%); highest among the groups gnomAD compares: Non-Finnish European, 0.0078%; no homozygotes.

Submissions (3):

Ambry Genetics
Classification: Uncertain significance for Inborn genetic diseases. Last evaluated: 2025-08-01. Review status: criteria provided, single submitter. Criteria: Ambry Variant Classification Scheme 2023. Collection method: clinical testing. Allele origin: germline.

Labcorp Genetics (formerly Invitae), Labcorp
Classification: Uncertain significance. Last evaluated: 2021-08-28. Review status: criteria provided, single submitter. Criteria: Invitae Variant Classification Sherloc (09022015). Collection method: clinical testing. Allele origin: germline.
Comment: This sequence change replaces threonine with methionine at codon 63 of the TUBGCP4 protein (p.Thr63Met). The threonine residue is highly conserved and there is a moderate physicochemical difference between threonine and methionine. This variant is not present in population databases (ExAC no frequency). This variant has not been reported in the literature in individuals affected with TUBGCP4-related conditions. Algorithms developed to predict the effect of missense changes on protein structure and function are either unavailable or do not agree on the potential impact of this missense change (SIFT: "Deleterious"; PolyPhen-2: "Possibly Damaging"; Align-GVGD: "Class C15"). In summary, the available evidence is currently insufficient to determine the role of this variant in disease. Therefore, it has been classified as a Variant of Uncertain Significance.

Breakthrough Genomics
Classification: Uncertain significance. Review status: criteria provided, single submitter. Criteria: ACMG Guidelines, 2015. Collection method: not provided. Allele origin: germline. Inheritance: Autosomal recessive inheritance. Affected: yes.

NM_014444.5(TUBGCP4):c.188C>T (p.Thr63Met)

Gene: TUBGCP4 (tubulin gamma complex component 4; plus strand). Cytogenetic location: 15q15.3.
Variant type: single nucleotide variant.
Coding change: c.188C>T on transcript NM_014444.5 (MANE Select); coding-DNA position 188, C replaced by T.
Protein change: p.Thr63Met; replaces threonine 63 with methionine.
Molecular consequence: missense variant.
Genome position (GRCh38, 1-based): chr15:43,376,207, C>T. VCF-style: chr15-43376207-C-T. GRCh37 (hg19) VCF-style: chr15-43668405-C-T.
Other names: c.188C>T (NM_014444.2); c.188C>T, p.Thr63Met (NM_001286414.3); short protein forms T63M.
Identifiers: ClinVar variation 1450950 (VCV001450950.9), dbSNP rs937829448, ClinGen allele CA269984379.
Genomic context (GRCh38, chr15:43,376,207, plus strand): 5'-ATCGACTCTGCCGGCTCGGCACAGACTATATTCGCTTCACTGAGTTCATTGAACAGTACA[C>T]GGGCCATGTGCAACAGCAGGTGGGTCCTGTTCTCTGTGGGTGTACACCTCTAGAGGGCAG-3'
Protein context (NP_055259.2, residues 53-73): IRFTEFIEQY[Thr63Met]GHVQQQDHHP